The following is an entry in ClinVar:

NM_000038.6(APC):c.5264C>T (p.Ala1755Val)

Gene: APC (APC regulator of Wnt signaling pathway; plus strand). Cytogenetic location: 5q22.2.
Variant type: single nucleotide variant.
Coding change: c.5264C>T on transcript NM_000038.6 (MANE Select); coding-DNA position 5264, C replaced by T.
Protein change: p.Ala1755Val; replaces alanine 1755 with valine.
Molecular consequence: missense variant.
Genome position (GRCh38, 1-based): chr5:112,840,858, C>T. VCF-style: chr5-112840858-C-T. GRCh37 (hg19) VCF-style: chr5-112176555-C-T.
Other names: c.5264C>T, p.Ala1755Val (NM_001127510.3, NM_001354895.2); c.5210C>T, p.Ala1737Val (NM_001127511.3); c.5318C>T, p.Ala1773Val (NM_001354896.2); c.5294C>T, p.Ala1765Val (NM_001354897.2); c.5189C>T, p.Ala1730Val (NM_001354898.2); c.5180C>T, p.Ala1727Val (NM_001354899.2); c.5141C>T, p.Ala1714Val (NM_001354900.2); c.5087C>T, p.Ala1696Val (NM_001354901.2); and 5 more; short protein forms A1737V, A1755V, A1664V, A1696V, A1714V, A1730V, A1773V, A1654V.
Identifiers: ClinVar variation 236616 (VCV000236616.35), dbSNP rs771967537, ClinGen allele CA041104.

ClinVar aggregate classification (germline): Conflicting classifications of pathogenicity. Review status: criteria provided, conflicting classifications (1 of 4 stars). 10 submissions from 10 submitters: Uncertain significance (5); Benign (1); Likely benign (4). Last evaluated 2025-08-18.

Conditions:
Classic or attenuated familial adenomatous polyposis. Identifiers: MedGen CN372698, MONDO:0021057.
Hereditary cancer-predisposing syndrome. Also called: Hereditary neoplastic syndrome; Hereditary Cancer Syndrome; Neoplastic Syndromes, Hereditary; Tumor predisposition. Identifiers: Orphanet 140162, MedGen C0027672, MeSH D009386, MONDO:0015356.
Ovarian cancer. Also called: OVARIAN CANCER, SOMATIC. Identifiers: Orphanet 213500, MedGen C1140680, MONDO:0008170, OMIM 167000.
Familial adenomatous polyposis 1 (FAP1). Also called: FAMILIAL ADENOMATOUS POLYPOSIS 1, ATTENUATED; POLYPOSIS, ADENOMATOUS INTESTINAL. Identifiers: MedGen C2713442, MONDO:0021056, OMIM 175100. Disease mechanism: loss of function.

Allele frequency attached by ClinVar (database versions not stated): gnomAD 0.00001; ExAC 0.00002; gnomAD exomes 0.00002 and 0.00004; TOPMed 0.00002.
gnomAD v4.1: 32 of 1,613,936 alleles (0.002%); highest among the groups gnomAD compares: African/African-American, 0.004%; no homozygotes.

Submissions (10):

Labcorp Genetics (formerly Invitae), Labcorp
Classification: Likely benign for Familial adenomatous polyposis 1. Last evaluated: 2025-08-18. Review status: criteria provided, single submitter. Criteria: Invitae Variant Classification Sherloc (09022015). Collection method: clinical testing. Allele origin: germline.

Center for Genomic Medicine, Rigshospitalet, Copenhagen University Hospital
Classification: Uncertain significance. Last evaluated: 2025-03-04. Review status: criteria provided, single submitter. Criteria: ACMG Guidelines, 2015. Collection method: clinical testing. Allele origin: germline.

Color Diagnostics, LLC DBA Color Health
Classification: Likely benign for Hereditary cancer-predisposing syndrome. Last evaluated: 2024-09-24. Review status: criteria provided, single submitter. Criteria: ACMG Guidelines, 2015. Collection method: clinical testing. Allele origin: germline.

All of Us Research Program, National Institutes of Health
Classification: Likely benign for Classic or attenuated familial adenomatous polyposis. Last evaluated: 2024-02-05. Review status: criteria provided, single submitter. Criteria: ACMG Guidelines, 2015. Collection method: clinical testing. Allele origin: germline. Inheritance: Autosomal dominant inheritance. Observed: 2 variant alleles, 2 heterozygotes.
Comment: This study involves interpretation of variants in research participants for the purpose of population health screening. Participant phenotype was not available at the time of variant classification. Additional details can be found in publication PMID: 35346344, PMCID: PMC8962531

GeneDx
Classification: Uncertain significance. Last evaluated: 2022-07-21. Review status: criteria provided, single submitter. Criteria: GeneDx Variant Classification Process June 2021. Collection method: clinical testing. Allele origin: germline. Affected: yes.
Comment: In silico analysis supports that this missense variant does not alter protein structure/function; Has not been previously published as pathogenic or benign to our knowledge; This variant is associated with the following publications: (PMID: 18199528)

Laboratory of Molecular Epidemiology of Birth Defects, West China Second University Hospital, Sichuan University
Classification: Benign for Ovarian cancer. Last evaluated: 2022-01-01. Review status: criteria provided, single submitter. Criteria: ACMG Guidelines, 2015. Collection method: clinical testing. Allele origin: germline. Affected: yes.

Sema4
Classification: Uncertain significance for Hereditary cancer-predisposing syndrome. Last evaluated: 2021-09-15. Review status: criteria provided, single submitter. Criteria: Sema4 Curation Guidelines. Collection method: curation. Allele origin: germline.
Comment: The APC c.5264C>T (p.A1755V) variant has not been reported in the literature to our knowledge. It was observed in 2/16158 chromosomes of the African/African American subpopulation in the large and broad cohorts of the Genome Aggregation Database (PMID: 32461654). The variant has been reported in ClinVar (Variation ID 236616). Functional studies have not been performed, and in silico predictions of the variant's effect on protein function are inconclusive. The evidence is insufficient to meet ACMG/AMP criteria for classifying the variant as benign or pathogenic. Thus, the clinical significance of this variant is currently uncertain.

Department of Pathology and Laboratory Medicine, Sinai Health System
Classification: Uncertain significance for classic or attenuated familial adenomatous polyposis. Last evaluated: 2021-04-20. Review status: criteria provided, single submitter. Criteria: ACMG Guidelines, 2015. Collection method: clinical testing. Allele origin: germline. Affected: yes.

Quest Diagnostics Nichols Institute San Juan Capistrano
Classification: Uncertain significance. Last evaluated: 2019-08-02. Review status: criteria provided, single submitter. Criteria: Quest Diagnostics criteria. Collection method: clinical testing. Allele origin: germline.

Ambry Genetics
Classification: Likely benign for Hereditary cancer-predisposing syndrome. Last evaluated: 2018-11-13. Review status: criteria provided, single submitter. Criteria: Ambry Variant Classification Scheme 2023. Collection method: clinical testing. Allele origin: germline.